The following is an entry in ClinVar:

NM_000135.4(FANCA):c.476G>A (p.Ser159Asn)

Gene: FANCA (FA complementation group A; minus strand). Cytogenetic location: 16q24.3.
Variant type: single nucleotide variant.
Coding change: c.476G>A on transcript NM_000135.4 (MANE Select); coding-DNA position 476, G replaced by A.
Protein change: p.Ser159Asn; replaces serine 159 with asparagine.
Molecular consequence: missense variant. On other transcripts: intron variant (1).
Genome position (GRCh38, 1-based): chr16:89,810,753, C>T on the plus strand (G>A on the coding strand, the complement: FANCA is on the minus strand). VCF-style: chr16-89810753-C-T. GRCh37 (hg19) VCF-style: chr16-89877161-C-T.
Other names: c.476G>A, p.Ser159Asn (NM_001018112.3, NM_001286167.3); c.426+176G>A (NM_001351830.2); short protein forms S159N.
Identifiers: ClinVar variation 4022084 (VCV004022084.1).

ClinVar aggregate classification (germline): Uncertain significance (1 of 4 stars; one submission).

Conditions:
Inborn genetic diseases. Identifiers: MedGen C0950123, MeSH D030342.

gnomAD v4.1: 5 of 1,613,432 alleles (0.00031%); highest among the groups gnomAD compares: South Asian, 0.0011%; no homozygotes.

Submission:

Ambry Genetics
Classification: Uncertain significance for Inborn genetic diseases. Last evaluated: 2025-03-15. Review status: criteria provided, single submitter. Criteria: Ambry Variant Classification Scheme 2023. Collection method: clinical testing. Allele origin: germline.
Comment: The p.S159N variant (also known as c.476G>A), located in coding exon 5 of the FANCA gene, results from a G to A substitution at nucleotide position 476. The serine at codon 159 is replaced by asparagine, an amino acid with highly similar properties. This amino acid position is conserved. In addition, this alteration is predicted to be tolerated by in silico analysis. Based on the available evidence, the clinical significance of this variant remains unclear.